The following is an entry in ClinVar:

NM_003482.4(KMT2D):c.6802G>C (p.Ala2268Pro)

Gene: KMT2D (lysine methyltransferase 2D; minus strand). Cytogenetic location: 12q13.12.
Variant type: single nucleotide variant.
Coding change: c.6802G>C on transcript NM_003482.4 (MANE Select); coding-DNA position 6802, G replaced by C.
Protein change: p.Ala2268Pro; replaces alanine 2268 with proline.
Molecular consequence: missense variant.
Genome position (GRCh38, 1-based): chr12:49,040,968, C>G on the plus strand (G>C on the coding strand, the complement: KMT2D is on the minus strand). VCF-style: chr12-49040968-C-G. GRCh37 (hg19) VCF-style: chr12-49434751-C-G.
Other names: short protein forms A2268P.
Identifiers: ClinVar variation 4801235 (VCV004801235.1).

ClinVar aggregate classification (germline): Uncertain significance (1 of 4 stars; one submission).

Conditions:
Kabuki syndrome. Also called: NIIKAWA-KUROKI SYNDROME; Kabuki make-up syndrome. Identifiers: Orphanet 2322, MedGen C0796004, MONDO:0016512.

Submission:

Labcorp Genetics (formerly Invitae), Labcorp
Classification: Uncertain significance for Kabuki syndrome. Last evaluated: 2025-11-19. Review status: criteria provided, single submitter. Criteria: Invitae Variant Classification Sherloc (09022015). Collection method: clinical testing. Allele origin: germline.
Comment: This sequence change replaces alanine, which is neutral and non-polar, with proline, which is neutral and non-polar, at codon 2268 of the KMT2D protein (p.Ala2268Pro). This variant is not present in population databases (gnomAD no frequency). This variant has not been reported in the literature in individuals affected with KMT2D-related conditions. Invitae Evidence Modeling of protein sequence and biophysical properties (such as structural, functional, and spatial information, amino acid conservation, physicochemical variation, residue mobility, and thermodynamic stability) indicates that this missense variant is not expected to disrupt KMT2D protein function with a negative predictive value of 95%. In summary, the available evidence is currently insufficient to determine the role of this variant in disease. Therefore, it has been classified as a Variant of Uncertain Significance.